The following is an entry in ClinVar:

NM_001111125.3(IQSEC2):c.4174C>T (p.His1392Tyr)

Gene: IQSEC2 (IQ motif and Sec7 domain ArfGEF 2; minus strand). Cytogenetic location: Xp11.22.
Variant type: single nucleotide variant.
Coding change: c.4174C>T on transcript NM_001111125.3 (MANE Select); coding-DNA position 4174, C replaced by T.
Protein change: p.His1392Tyr; replaces histidine 1392 with tyrosine.
Molecular consequence: missense variant. On other transcripts: 3 prime UTR variant (2).
Genome position (GRCh38, 1-based): chrX:53,234,512, G>A on the plus strand (C>T on the coding strand, the complement: IQSEC2 is on the minus strand). VCF-style: chrX-53234512-G-A. GRCh37 (hg19) VCF-style: chrX-53263694-G-A.
Other names: c.*659C>T (NM_001410736.1, NM_015075.2); short protein forms H1392Y.
Identifiers: ClinVar variation 2504569 (VCV002504569.1), dbSNP rs2519669045, ClinGen allele CA413139230.
Genomic context (GRCh38, chrX:53,234,512, plus strand): 5'-CTGGTGGCCGGGATCCAGGGCCCCCAGCCGCGCCTGCTGCTGGCATCATCTGTGGGTGGT[G>A]GCTGAAGATGAAGTGCTTAGGGCCCTGTTTGTGGGCTGGAGGGTGCTGGGGGGCAGGACT-3'
Protein context (NP_001104595.1, residues 1382-1402): KQGPKHFIFS[His1392Tyr]HPQMMPAAGA

ClinVar aggregate classification (germline): Uncertain significance (1 of 4 stars; one submission).

Allele frequency attached by ClinVar (database versions not stated): gnomAD exomes below 0.00001.
gnomAD v4.1: 1 of 1,103,404 alleles (0.000091%); highest among the groups gnomAD compares: South Asian, 0.0024%; no homozygotes.

Submission:

GeneDx
Classification: Uncertain significance. Last evaluated: 2023-06-01. Review status: criteria provided, single submitter. Criteria: GeneDx Variant Classification Process June 2021. Collection method: clinical testing. Allele origin: germline. Affected: yes.
Comment: Not observed at significant frequency in large population cohorts (gnomAD); In silico analysis supports that this missense variant does not alter protein structure/function; Has not been previously published as pathogenic or benign to our knowledge